The following is an entry in ClinVar:

ClinVar aggregate classification (germline): Likely benign. Review status: criteria provided, multiple submitters, no conflicts (2 of 4 stars). 2 submissions from 2 submitters: Likely benign (2). Last evaluated 2021-08-30.

Conditions:
Catecholaminergic polymorphic ventricular tachycardia 1. Also called: VENTRICULAR TACHYCARDIA, STRESS-INDUCED POLYMORPHIC 1; RYR2-Related Catecholaminergic Polymorphic Ventricular Tachycardia; VENTRICULAR TACHYCARDIA, CATECHOLAMINERGIC POLYMORPHIC, 1, WITH OR WITHOUT ATRIAL DYSFUNCTION AND/OR DILATED CARDIOMYOPATHY. Identifiers: Orphanet 3286, MedGen C1631597, MONDO:0011484, OMIM 604772.

gnomAD v4.1: 2 of 1,593,068 alleles (0.00013%); highest among the groups gnomAD compares: Non-Finnish European, 0.00017%; no homozygotes.

Submissions (2):

Labcorp Genetics (formerly Invitae), Labcorp
Classification: Likely benign for Catecholaminergic polymorphic ventricular tachycardia 1. Last evaluated: 2021-08-30. Review status: criteria provided, single submitter. Criteria: Invitae Variant Classification Sherloc (09022015). Collection method: clinical testing. Allele origin: germline.

GeneDx
Classification: Likely benign. Last evaluated: 2018-03-19. Review status: criteria provided, single submitter. Criteria: GeneDx Variant Classification (06012015). Collection method: clinical testing. Allele origin: germline. Affected: yes.
Comment: This variant is considered likely benign or benign based on one or more of the following criteria: it is a conservative change, it occurs at a poorly conserved position in the protein, it is predicted to be benign by multiple in silico algorithms, and/or has population frequency not consistent with disease.

NM_006073.4(TRDN):c.861C>T (p.Ser287=)

Genes: TRDN (triadin; minus strand), TRDN-AS1 (TRDN antisense RNA 1; plus strand). Cytogenetic location: 6q22.31.
Variant type: single nucleotide variant.
Coding change: c.861C>T on transcript NM_006073.4 (MANE Select); coding-DNA position 861, C replaced by T.
Protein change: p.Ser287=; no amino-acid change (serine 287 retained).
Molecular consequence: synonymous variant.
Genome position (GRCh38, 1-based): chr6:123,464,976, G>A on the plus strand (C>T on the coding strand, the complement: TRDN is on the minus strand). VCF-style: chr6-123464976-G-A. GRCh37 (hg19) VCF-style: chr6-123786121-G-A.
Other names: c.861C>T, p.Ser287= (NM_001251987.2); c.801C>T, p.Ser267= (NM_001256020.2).
Identifiers: ClinVar variation 415180 (VCV000415180.13), dbSNP rs769586528, ClinGen allele CA16612106.
Genomic context (GRCh38, chr6:123,464,976, plus strand): 5'-AGGTGATGCCGGAGTGGGTCTGGAAGCTTGTTCTGTCGGTAAGGGAGGTGGAATGGCTGG[G>A]CTTTGTCCTACACAATGTAGAAGTAGGAATTGGAAAAAAAAAAGTATTAACAAATCTAAT-3'
Protein context (NP_006064.2, residues 277-297): FVHGDLKPGQ[Ser287=]PAIPPPLPTE